The following is an entry in ClinVar:

ClinVar aggregate classification (germline): Uncertain significance (1 of 4 stars; one submission).

Conditions:
Developmental and epileptic encephalopathy, 42 (DEE42A). Also called: DEVELOPMENTAL AND EPILEPTIC ENCEPHALOPATHY 42A; EPILEPTIC ENCEPHALOPATHY, EARLY INFANTILE, 42A; Epileptic encephalopathy, early infantile, 42. Identifiers: MedGen C4310716, MONDO:0014917, OMIM 617106.
Episodic ataxia type 2 (EA2). Also called: EPISODIC ATAXIA, NYSTAGMUS-ASSOCIATED; ACETAZOLAMIDE-RESPONSIVE HEREDITARY PAROXYSMAL CEREBELLAR ATAXIA; ATAXIA, EPISODIC, WITH NYSTAGMUS; ATAXIA, FAMILIAL PAROXYSMAL; CEREBELLAR ATAXIA, PAROXYSMAL, ACETAZOLAMIDE-RESPONSIVE; CEREBELLOPATHY, HEREDITARY PAROXYSMAL. Identifiers: Orphanet 97, MedGen C1720416, MONDO:0007163, OMIM 108500.

Submission:

Labcorp Genetics (formerly Invitae), Labcorp
Classification: Uncertain significance for Developmental and epileptic encephalopathy, 42; Episodic ataxia type 2. Last evaluated: 2020-07-10. Review status: criteria provided, single submitter. Criteria: Invitae Variant Classification Sherloc (09022015). Collection method: clinical testing. Allele origin: germline.
Comment: This variant results in a copy number gain of the genomic region encompassing the full coding sequence of the CACNA1A gene. The boundaries of this event are unknown as they extend beyond the assayed region for this gene and therefore may encompass additional genes. As the precise location of this event is unknown, it may be in tandem or it may be located elsewhere in the genome. This variant has not been reported in the literature in individuals with CACNA1A-related conditions. In summary, the available evidence is currently insufficient to determine the role of this variant in disease. Therefore, it has been classified as a Variant of Uncertain Significance.

NC_000019.9:g.(?_13316256)_(13618274_?)dup

Gene: CACNA1A (calcium voltage-gated channel subunit alpha1 A; minus strand). Cytogenetic location: 19p13.2.
Variant type: Duplication.
Identifiers: ClinVar variation 1062461 (VCV001062461.6).